The following is an entry in ClinVar:

NM_001162501.2(TNRC6B):c.3460C>G (p.Pro1154Ala)

Gene: TNRC6B (trinucleotide repeat containing adaptor 6B; plus strand). Cytogenetic location: 22q13.1.
Variant type: single nucleotide variant.
Coding change: c.3460C>G on transcript NM_001162501.2 (MANE Select); coding-DNA position 3460, C replaced by G.
Protein change: p.Pro1154Ala; replaces proline 1154 with alanine.
Molecular consequence: missense variant. On other transcripts: intron variant (2).
Genome position (GRCh38, 1-based): chr22:40,281,167, C>G. VCF-style: chr22-40281167-C-G. GRCh37 (hg19) VCF-style: chr22-40677171-C-G.
Other names: c.1170+1024C>G (NM_001024843.2); c.3252+1024C>G (NM_015088.3); short protein forms P1154A.
Identifiers: ClinVar variation 1801187 (VCV001801187.2), dbSNP rs1441358783, ClinGen allele CA411652068.

ClinVar aggregate classification (germline): Uncertain significance (1 of 4 stars; one submission).

Submission:

GeneDx
Classification: Uncertain significance. Last evaluated: 2023-07-24. Review status: criteria provided, single submitter. Criteria: GeneDx Variant Classification Process June 2021. Collection method: clinical testing. Allele origin: germline.
Comment: Not observed at significant frequency in large population cohorts (gnomAD); In silico analysis supports that this missense variant does not alter protein structure/function; Has not been previously published as pathogenic or benign to our knowledge